The following is an entry in ClinVar:

ClinVar aggregate classification (germline): Uncertain significance (1 of 4 stars; one submission).

Submission:

GeneDx
Classification: Uncertain significance. Last evaluated: 2022-05-23. Review status: criteria provided, single submitter. Criteria: GeneDx Variant Classification Process June 2021. Collection method: clinical testing. Allele origin: germline. Affected: yes.
Comment: Not observed at significant frequency in large population cohorts (gnomAD); In silico analysis supports that this missense variant has a deleterious effect on protein structure/function; Has not been previously published as pathogenic or benign to our knowledge

NM_003718.5(CDK13):c.2926G>C (p.Asp976His)

Gene: CDK13 (cyclin dependent kinase 13; plus strand). Cytogenetic location: 7p14.1.
Variant type: single nucleotide variant.
Coding change: c.2926G>C on transcript NM_003718.5 (MANE Select); coding-DNA position 2926, G replaced by C.
Protein change: p.Asp976His; replaces aspartic acid 976 with histidine.
Molecular consequence: missense variant.
Genome position (GRCh38, 1-based): chr7:40,078,748, G>C. VCF-style: chr7-40078748-G-C. GRCh37 (hg19) VCF-style: chr7-40118347-G-C.
Other names: c.2926G>C, p.Asp976His (NM_031267.4); short protein forms D976H.
Identifiers: ClinVar variation 1800828 (VCV001800828.1), dbSNP rs2484032249, ClinGen allele CA367291299.